The following is an entry in ClinVar:

NM_000494.4(COL17A1):c.3213G>A (p.Ser1071=)

Gene: COL17A1 (collagen type XVII alpha 1 chain; minus strand). Cytogenetic location: 10q25.1.
Variant type: single nucleotide variant.
Coding change: c.3213G>A on transcript NM_000494.4 (MANE Select); coding-DNA position 3213, G replaced by A.
Protein change: p.Ser1071=; no amino-acid change (serine 1071 retained).
Molecular consequence: synonymous variant.
Genome position (GRCh38, 1-based): chr10:104,037,109, C>T on the plus strand (G>A on the coding strand, the complement: COL17A1 is on the minus strand). VCF-style: chr10-104037109-C-T. GRCh37 (hg19) VCF-style: chr10-105796867-C-T.
Other names: c.3213G>A, p.Ser1071= (LRG_1249t1).
Identifiers: ClinVar variation 298698 (VCV000298698.35), dbSNP rs147011538, ClinGen allele CA5678057.

ClinVar aggregate classification (germline): Conflicting classifications of pathogenicity. Review status: criteria provided, conflicting classifications (1 of 4 stars). 6 submissions from 6 submitters: Uncertain significance (2); Likely benign (4). Last evaluated 2026-07-29.

Conditions:
COL17A1-related disorder. Also called: COL17A1-related condition.
Junctional epidermolysis bullosa, non-Herlitz type. Also called: Adult junctional epidermolysis bullosa; COL17A1-Related Junctional Epidermolysis Bullosa; Epidermolysis bullosa, junctional, non-herlitz type, somatic mosaic revertant; EPIDERMOLYSIS BULLOSA, JUNCTIONAL 1A, INTERMEDIATE; EPIDERMOLYSIS BULLOSA JUNCTIONALIS, DISENTIS TYPE; EPIDERMOLYSIS BULLOSA JUNCTIONALIS, NON-HERLITZ TYPE. Identifiers: Orphanet 251393, Orphanet 79402, Orphanet 79405, Orphanet 89840, MedGen C0268374, MONDO:0009180, OMIM 226650.

Allele frequency attached by ClinVar (database versions not stated): ESP Exome Variant Server 0.00008; gnomAD 0.00009 and 0.00013; TOPMed 0.00017; gnomAD exomes 0.00019 and 0.00030; ExAC 0.00040.
gnomAD v4.1: 305 of 1,603,842 alleles (0.019%); highest among the groups gnomAD compares: Middle Eastern, 0.21%; no homozygotes.

Submissions (6):

PreventionGenetics, part of Exact Sciences
Classification: Likely benign for COL17A1-related condition. Last evaluated: 2026-07-29. Review status: criteria provided, single submitter. Criteria: ACMG Guidelines, 2015. Collection method: clinical testing. Allele origin: germline.
Comment: This variant is classified as likely benign based on ACMG/AMP sequence variant interpretation guidelines (Richards et al. 2015 PMID: 25741868, with internal and published modifications).

Blueprint Genetics
Classification: Likely benign. Last evaluated: 2024-11-22. Review status: criteria provided, single submitter. Criteria: ACMG Guidelines, 2015. Collection method: clinical testing. Allele origin: germline.

Labcorp Genetics (formerly Invitae), Labcorp
Classification: Likely benign. Last evaluated: 2024-10-28. Review status: criteria provided, single submitter. Criteria: Invitae Variant Classification Sherloc (09022015). Collection method: clinical testing. Allele origin: germline.

CeGaT Center for Human Genetics Tuebingen
Classification: Likely benign. Last evaluated: 2022-04-01. Review status: criteria provided, single submitter. Criteria: CeGaT Center For Human Genetics Tuebingen Variant Classification Criteria Version 2. Collection method: clinical testing. Allele origin: germline. Affected: yes. Observed: 1 variant allele.
Comment: COL17A1: BP4, BP7

Illumina Laboratory Services, Illumina
Classification: Uncertain significance for Junctional epidermolysis bullosa, non-Herlitz type. Last evaluated: 2018-01-13. Review status: criteria provided, single submitter. Criteria: ICSL Variant Classification Criteria 13 December 2019. Collection method: clinical testing. Allele origin: germline.

Breakthrough Genomics
Classification: Uncertain significance. Review status: criteria provided, single submitter. Criteria: ACMG Guidelines, 2015. Collection method: not provided. Allele origin: germline. Inheritance: Autosomal recessive inheritance. Affected: yes.